The following is an entry in ClinVar:

NM_024757.5(EHMT1):c.3266G>A (p.Arg1089Gln)

Gene: EHMT1 (euchromatic histone lysine methyltransferase 1; plus strand). Cytogenetic location: 9q34.3.
Variant type: single nucleotide variant.
Coding change: c.3266G>A on transcript NM_024757.5 (MANE Select); coding-DNA position 3266, G replaced by A.
Protein change: p.Arg1089Gln; replaces arginine 1089 with glutamine.
Molecular consequence: missense variant.
Genome position (GRCh38, 1-based): chr9:137,815,954, G>A. VCF-style: chr9-137815954-G-A. GRCh37 (hg19) VCF-style: chr9-140710406-G-A.
Other names: c.3245G>A, p.Arg1082Gln (NM_001354263.2); short protein forms R1082Q, R1089Q.
Identifiers: ClinVar variation 833542 (VCV000833542.12), dbSNP rs1039353637, ClinGen allele CA201845810.

ClinVar aggregate classification (germline): Conflicting classifications of pathogenicity. Review status: criteria provided, conflicting classifications (1 of 4 stars). 3 submissions from 3 submitters: Uncertain significance (2); Likely benign (1). Last evaluated 2025-12-31.

Conditions:
Kleefstra syndrome 1 (KLEFS1). Identifiers: Orphanet 261494, MedGen C0795833, MONDO:0027407, OMIM 610253.

Allele frequency attached by ClinVar (database versions not stated): gnomAD exomes 0.00001; gnomAD 0.00003; TOPMed 0.00002.
gnomAD v4.1: 13 of 1,604,928 alleles (0.00081%); highest among the groups gnomAD compares: Non-Finnish European, 0.001%; no homozygotes.

Submissions (3):

Labcorp Genetics (formerly Invitae), Labcorp
Classification: Likely benign for Kleefstra syndrome 1. Last evaluated: 2025-12-31. Review status: criteria provided, single submitter. Criteria: Invitae Variant Classification Sherloc (09022015). Collection method: clinical testing. Allele origin: germline.

Greenwood Genetic Center Diagnostic Laboratories, Greenwood Genetic Center
Classification: Uncertain significance. Last evaluated: 2025-05-13. Review status: criteria provided, single submitter. Criteria: ACMG Guidelines, 2015. Collection method: clinical testing. Allele origin: germline. Affected: yes.
Comment: BS2, PP3

GeneDx
Classification: Uncertain significance. Last evaluated: 2020-10-29. Review status: criteria provided, single submitter. Criteria: GeneDx Variant Classification Process June 2021. Collection method: clinical testing. Allele origin: germline. Affected: yes.
Comment: In silico analysis supports that this missense variant has a deleterious effect on protein structure/function; Has not been previously published as pathogenic or benign to our knowledge